The following is an entry in ClinVar:

ClinVar aggregate classification (germline): Uncertain significance (1 of 4 stars; one submission).

Conditions:
Long QT syndrome (LQTS). Identifiers: MedGen C0023976, MeSH D008133, MONDO:0002442. Disease mechanism: loss of function. Inheritance: Various modes of inheritance.

Submission:

Labcorp Genetics (formerly Invitae), Labcorp
Classification: Uncertain significance for Long QT syndrome. Last evaluated: 2024-09-05. Review status: criteria provided, single submitter. Criteria: Invitae Variant Classification Sherloc (09022015). Collection method: clinical testing. Allele origin: germline.
Comment: This sequence change replaces glutamic acid, which is acidic and polar, with valine, which is neutral and non-polar, at codon 2816 of the AKAP9 protein (p.Glu2816Val). This variant is not present in population databases (gnomAD no frequency). This variant has not been reported in the literature in individuals affected with AKAP9-related conditions. An algorithm developed to predict the effect of missense changes on protein structure and function (PolyPhen-2) suggests that this variant is likely to be disruptive. In summary, the available evidence is currently insufficient to determine the role of this variant in disease. Therefore, it has been classified as a Variant of Uncertain Significance.

NM_005751.5(AKAP9):c.8447A>T (p.Glu2816Val)

Gene: AKAP9 (A-kinase anchoring protein 9; plus strand). Cytogenetic location: 7q21.2.
Variant type: single nucleotide variant.
Coding change: c.8447A>T on transcript NM_005751.5 (MANE Select); coding-DNA position 8447, A replaced by T.
Protein change: p.Glu2816Val; replaces glutamic acid 2816 with valine.
Molecular consequence: missense variant.
Genome position (GRCh38, 1-based): chr7:92,083,456, A>T. VCF-style: chr7-92083456-A-T. GRCh37 (hg19) VCF-style: chr7-91712770-A-T.
Other names: c.3092A>T, p.Glu1031Val (NM_001379277.1); c.8423A>T, p.Glu2808Val (NM_147185.3); short protein forms E2808V, E2816V, E1031V.
Identifiers: ClinVar variation 2917524 (VCV002917524.3), dbSNP rs2535258766, ClinGen allele CA368139057.